The following is an entry in ClinVar:

NM_018451.5(CPAP):c.634G>T (p.Glu212Ter)

Gene: CPAP (centrosome assembly and centriole elongation protein; minus strand). Cytogenetic location: 13q12.13.
Variant type: single nucleotide variant.
Coding change: c.634G>T on transcript NM_018451.5 (MANE Select); coding-DNA position 634, G replaced by T.
Protein change: p.Glu212Ter; replaces glutamic acid 212 with a stop codon.
Molecular consequence: nonsense. On other transcripts: non-coding transcript variant (2).
Genome position (GRCh38, 1-based): chr13:24,910,021, C>A on the plus strand (G>T on the coding strand, the complement: CPAP is on the minus strand). VCF-style: chr13-24910021-C-A. GRCh37 (hg19) VCF-style: chr13-25484159-C-A.
Other names: NM_018451.5(CENPJ):c.634G>T; p.Glu212Ter; short protein forms E212*.
Identifiers: ClinVar variation 620160 (VCV000620160.13), dbSNP rs765113367, ClinGen allele CA6919951.
Genomic context (GRCh38, chr13:24,910,021, plus strand): 5'-ATGTTTCTTCCTGGGTTGGGTCCGGGTAGACATATGATGGGAAGCAGCATGTGGCTCTCT[C>A]TCCAGTGGTGGTATTTCCTGGAGACCTGTGCTTCTGGCTCTGATCATCAGGCAGTAAACT-3'

ClinVar aggregate classification (germline): Pathogenic/Likely pathogenic. Review status: criteria provided, multiple submitters, no conflicts (2 of 4 stars). 7 submissions from 7 submitters: Pathogenic (4); Likely pathogenic (3). Last evaluated 2026-08-06.

Conditions:
Microcephaly 6, primary, autosomal recessive. Identifiers: Orphanet 2512, MedGen C1842109, MONDO:0012029, OMIM 608393.
Seckel syndrome 4 (SCKL4). Identifiers: Orphanet 808, MedGen C3888212, MONDO:0013358, OMIM 613676.
CENPJ-related disorder. Also called: CENPJ-related disorders; CENPJ-related condition.

Allele frequency attached by ClinVar (database versions not stated): ExAC 0.00004; gnomAD exomes 0.00007 and 0.00009; gnomAD 0.00009 and 0.00011; TOPMed 0.00009.
gnomAD v4.1: 138 of 1,613,924 alleles (0.0086%); highest among the groups gnomAD compares: Admixed American, 0.01%; no homozygotes.

Submissions (7):

OLLIN Analises Genomicas, OLLIN
Classification: Pathogenic for Microcephaly 6, primary, autosomal recessive. Last evaluated: 2026-08-06. Review status: criteria provided, single submitter. Criteria: ACMG Guidelines 2015 PMID 25741868. Collection method: clinical testing. Allele origin: germline.
Comment: This nonsense variant, located in exon 4 (of 17), has been reported in ClinVar (accession VCV000620160.11) and in gnomAD with an allele frequency of 0.0086%. However, to our knowledge, it has not been reported in the scientific literature. This variant introduces a premature stop codon, which is predicted to result in either a truncated protein or degradation of the mRNA via nonsense-mediated decay (NMD). According to the currently available evidence, this variant has been classified as pathogenic (PVS1, PM2_P, PM3).

Labcorp Genetics (formerly Invitae), Labcorp
Classification: Pathogenic. Last evaluated: 2024-12-28. Review status: criteria provided, single submitter. Criteria: Invitae Variant Classification Sherloc (09022015). Collection method: clinical testing. Allele origin: germline.
Comment: This sequence change creates a premature translational stop signal (p.Glu212*) in the CENPJ gene. It is expected to result in an absent or disrupted protein product. Loss-of-function variants in CENPJ are known to be pathogenic (PMID: 15793586, 16900296, 20522431). This variant is present in population databases (rs765113367, gnomAD 0.02%). This variant has not been reported in the literature in individuals affected with CENPJ-related conditions. ClinVar contains an entry for this variant (Variation ID: 620160). For these reasons, this variant has been classified as Pathogenic.

Blueprint Genetics
Classification: Likely pathogenic for CENPJ-related disorders. Last evaluated: 2024-05-22. Review status: criteria provided, single submitter. Criteria: ACMG Guidelines, 2015. Collection method: clinical testing. Allele origin: germline. Affected: yes. Observed: 5 variant alleles.

Fulgent Genetics
Classification: Pathogenic for Microcephaly 6, primary, autosomal recessive; Seckel syndrome 4. Last evaluated: 2024-05-16. Review status: criteria provided, single submitter. Criteria: ACMG Guidelines, 2015. Collection method: clinical testing. Allele origin: germline.

Laboratorio de Genetica e Diagnostico Molecular, Hospital Israelita Albert Einstein
Classification: Pathogenic for Microcephaly 6, primary, autosomal recessive. Last evaluated: 2022-10-29. Review status: criteria provided, single submitter. Criteria: ACMG Guidelines, 2015. Collection method: clinical testing. Allele origin: germline. Affected: yes. Observed: 1 variant allele.
Comment: ACMG classification criteria: PVS1 very strong, PM2 supporting, PM3 moderated

GeneDx
Classification: Likely pathogenic. Last evaluated: 2022-08-19. Review status: criteria provided, single submitter. Criteria: GeneDx Variant Classification Process June 2021. Collection method: clinical testing. Allele origin: germline. Affected: yes.
Comment: Nonsense variant predicted to result in protein truncation or nonsense mediated decay in a gene for which loss of function is a known mechanism of disease; Not observed at significant frequency in large population cohorts (gnomAD); Has not been previously published as pathogenic or benign to our knowledge; This variant is associated with the following publications: (PMID: 31589614)

Broad Center for Mendelian Genomics, Broad Institute of MIT and Harvard
Classification: Likely pathogenic for Microcephaly 6, primary, autosomal recessive. Last evaluated: 2022-05-04. Review status: criteria provided, single submitter. Criteria: ACMG Guidelines, 2015. Collection method: curation. Allele origin: germline. Inheritance: Autosomal recessive inheritance.
Comment: The variant has not been previously reported in individuals with primary microcephaly 6 but has been identified in 0.02% (2/10368) of Ashkenazi Jewish chromosomes by the Genome Aggregation Database (gnomAD; dbSNP ID: rs765113367). Although this variant has been seen in the general population, its frequency is not high enough to rule out a pathogenic role. This nonsense variant leads to a premature termination codon at position 212, which is predicted to lead to a truncated or absent protein. Loss of function of the CENPJ gene is an established disease mechanism in autosomal recessive primary microcephaly 6. In summary, although additional studies are required to fully establish its clinical significance, this variant is likely pathogenic. ACMG/AMP Criteria applied: PVS1, PM3 (Richards 2015).

Literature cited by the submitters: PubMed 15793586 (cited by Labcorp Genetics (formerly Invitae), Labcorp); PubMed 16900296 (cited by Labcorp Genetics (formerly Invitae), Labcorp); PubMed 20522431 (cited by Labcorp Genetics (formerly Invitae), Labcorp).